The following is an entry in ClinVar:

ClinVar aggregate classification (germline): Likely pathogenic (1 of 4 stars; one submission).

Conditions:
Familial cancer of breast. Also called: Hereditary breast cancer; BREAST CANCER, FAMILIAL; hereditary breast carcinoma. Identifiers: Orphanet 227535, MedGen C0346153, MONDO:0016419, OMIM 114480. Disease mechanism: loss of function.

Submission:

Labcorp Genetics (formerly Invitae), Labcorp
Classification: Likely pathogenic for Familial cancer of breast. Last evaluated: 2023-09-17. Review status: criteria provided, single submitter. Criteria: Invitae Variant Classification Sherloc (09022015). Collection method: clinical testing. Allele origin: germline.
Comment: In summary, the currently available evidence indicates that the variant is pathogenic, but additional data are needed to prove that conclusively. Therefore, this variant has been classified as Likely Pathogenic. Algorithms developed to predict the effect of sequence changes on RNA splicing suggest that this variant may disrupt the consensus splice site. This variant has not been reported in the literature in individuals affected with BARD1-related conditions. This variant is not present in population databases (gnomAD no frequency). This sequence change affects a donor splice site in intron 2 of the BARD1 gene. It is expected to disrupt RNA splicing. Variants that disrupt the donor or acceptor splice site typically lead to a loss of protein function (PMID: 16199547), and loss-of-function variants in BARD1 are known to be pathogenic (PMID: 20077502, 21344236).

Literature cited by the submitters: PubMed 16199547; PubMed 20077502; PubMed 21344236.

NM_000465.4(BARD1):c.215+2T>A

Gene: BARD1 (BRCA1 associated RING domain 1; minus strand). Cytogenetic location: 2q35.
Variant type: single nucleotide variant.
Coding change: c.215+2T>A on transcript NM_000465.4 (MANE Select); the canonical splice donor site of the intron after coding-DNA position 215, T replaced by A.
Molecular consequence: splice donor variant. On other transcripts: intron variant (2).
Genome position (GRCh38, 1-based): chr2:214,797,059, A>T on the plus strand (T>A on the coding strand, the complement: BARD1 is on the minus strand). VCF-style: chr2-214797059-A-T. GRCh37 (hg19) VCF-style: chr2-215661783-A-T.
Other names: c.158+12353T>A (NM_001282548.2); c.159-4614T>A (NM_001282543.2); c.215+2T>A (NM_001282545.2, NM_001282549.2).
Identifiers: ClinVar variation 2761172 (VCV002761172.3), dbSNP rs1559441760, ClinGen allele CA350462110.